The following is an entry in ClinVar:

ClinVar aggregate classification (germline): Uncertain significance. Review status: criteria provided, multiple submitters, no conflicts (2 of 4 stars). 5 submissions from 5 submitters: Uncertain significance (5). Last evaluated 2025-12-03.

Conditions:
Classic or attenuated familial adenomatous polyposis. Identifiers: MedGen CN372698, MONDO:0021057.
Hereditary cancer-predisposing syndrome. Also called: Neoplastic Syndromes, Hereditary; Tumor predisposition; Hereditary Cancer Syndrome; Hereditary neoplastic syndrome. Identifiers: Orphanet 140162, MedGen C0027672, MeSH D009386, MONDO:0015356.
Familial adenomatous polyposis 1 (FAP1). Also called: FAMILIAL ADENOMATOUS POLYPOSIS 1, ATTENUATED; POLYPOSIS, ADENOMATOUS INTESTINAL. Identifiers: MedGen C2713442, MONDO:0021056, OMIM 175100. Disease mechanism: loss of function.

Allele frequency attached by ClinVar (database versions not stated): gnomAD exomes below 0.00001.
gnomAD v4.1: 5 of 1,613,974 alleles (0.00031%); highest among the groups gnomAD compares: South Asian, 0.0011%; no homozygotes.

Submissions (5):

Labcorp Genetics (formerly Invitae), Labcorp
Classification: Uncertain significance for Familial adenomatous polyposis 1. Last evaluated: 2025-12-03. Review status: criteria provided, single submitter. Criteria: Invitae Variant Classification Sherloc (09022015). Collection method: clinical testing. Allele origin: germline.
Comment: This sequence change replaces serine, which is neutral and polar, with phenylalanine, which is neutral and non-polar, at codon 1902 of the APC protein (p.Ser1902Phe). This variant is not present in population databases (gnomAD no frequency). This variant has not been reported in the literature in individuals affected with APC-related conditions. ClinVar contains an entry for this variant (Variation ID: 482308). Invitae Evidence Modeling of protein sequence and biophysical properties (such as structural, functional, and spatial information, amino acid conservation, physicochemical variation, residue mobility, and thermodynamic stability) indicates that this missense variant is not expected to disrupt APC protein function with a negative predictive value of 95%. In summary, the available evidence is currently insufficient to determine the role of this variant in disease. Therefore, it has been classified as a Variant of Uncertain Significance.

Ambry Genetics
Classification: Uncertain significance for Hereditary cancer-predisposing syndrome. Last evaluated: 2025-11-18. Review status: criteria provided, single submitter. Criteria: Ambry Variant Classification Scheme 2023. Collection method: clinical testing. Allele origin: germline.
Comment: The p.S1902F variant (also known as c.5705C>T), located in coding exon 15 of the APC gene, results from a C to T substitution at nucleotide position 5705. The serine at codon 1902 is replaced by phenylalanine, an amino acid with highly dissimilar properties. This amino acid position is well conserved in available vertebrate species. In addition, in silico predictors for this gene do not accurately predict pathogenicity. Since supporting evidence is limited at this time, the clinical significance of this alteration remains unclear.

GeneDx
Classification: Uncertain significance. Last evaluated: 2024-05-10. Review status: criteria provided, single submitter. Criteria: GeneDx Variant Classification Process June 2021. Collection method: clinical testing. Allele origin: germline. Affected: yes.
Comment: Not observed at significant frequency in large population cohorts (gnomAD); In silico analysis indicates that this missense variant does not alter protein structure/function; Has not been previously published as pathogenic or benign to our knowledge; This variant is associated with the following publications: (PMID: 18199528)

All of Us Research Program, National Institutes of Health
Classification: Uncertain significance for Classic or attenuated familial adenomatous polyposis. Last evaluated: 2024-03-24. Review status: criteria provided, single submitter. Criteria: ACMG Guidelines, 2015. Collection method: clinical testing. Allele origin: germline. Inheritance: Autosomal dominant inheritance. Observed: 2 variant alleles, 2 heterozygotes.
Comment: This missense variant replaces serine with phenylalanine at codon 1902 of the APC protein. Computational prediction suggests that this variant may not impact protein structure and function (internally defined REVEL score threshold <= 0.5, PMID: 27666373). To our knowledge, functional studies have not been reported for this variant. This variant has not been reported in individuals affected with APC-related disorders in the literature. This variant has not been identified in the general population by the Genome Aggregation Database (gnomAD). The available evidence is insufficient to determine the role of this variant in disease conclusively. Therefore, this variant is classified as a Variant of Uncertain Significance.

This study involves interpretation of variants in research participants for the purpose of population health screening. Participant phenotype was not available at the time of variant classification. Additional details can be found in publication PMID: 35346344, PMCID: PMC8962531

Color Diagnostics, LLC DBA Color Health
Classification: Uncertain significance for Hereditary cancer-predisposing syndrome. Last evaluated: 2024-02-14. Review status: criteria provided, single submitter. Criteria: ACMG Guidelines, 2015. Collection method: clinical testing. Allele origin: germline.
Comment: This missense variant replaces serine with phenylalanine at codon 1902 of the APC protein. Computational prediction suggests that this variant may not impact protein structure and function (internally defined REVEL score threshold <= 0.5, PMID: 27666373). To our knowledge, functional studies have not been reported for this variant. This variant has not been reported in individuals affected with APC-related disorders in the literature. This variant has not been identified in the general population by the Genome Aggregation Database (gnomAD). The available evidence is insufficient to determine the role of this variant in disease conclusively. Therefore, this variant is classified as a Variant of Uncertain Significance.

NM_000038.6(APC):c.5705C>T (p.Ser1902Phe)

Gene: APC (APC regulator of Wnt signaling pathway; plus strand). Cytogenetic location: 5q22.2.
Variant type: single nucleotide variant.
Coding change: c.5705C>T on transcript NM_000038.6 (MANE Select); coding-DNA position 5705, C replaced by T.
Protein change: p.Ser1902Phe; replaces serine 1902 with phenylalanine.
Molecular consequence: missense variant.
Genome position (GRCh38, 1-based): chr5:112,841,299, C>T. VCF-style: chr5-112841299-C-T. GRCh37 (hg19) VCF-style: chr5-112176996-C-T.
Other names: c.5705C>T, p.Ser1902Phe (NM_001127510.3, NM_001354895.2); c.5651C>T, p.Ser1884Phe (NM_001127511.3); c.5759C>T, p.Ser1920Phe (NM_001354896.2); c.5735C>T, p.Ser1912Phe (NM_001354897.2); c.5630C>T, p.Ser1877Phe (NM_001354898.2); c.5621C>T, p.Ser1874Phe (NM_001354899.2); c.5582C>T, p.Ser1861Phe (NM_001354900.2); c.5528C>T, p.Ser1843Phe (NM_001354901.2); and 5 more; short protein forms S1884F, S1902F, S1742F, S1874F, S1920F, S1619F, S1776F, S1801F.
Identifiers: ClinVar variation 482308 (VCV000482308.22), dbSNP rs1554086917, ClinGen allele CA16033821.